The following is an entry in ClinVar:

NM_020812.4(DOCK6):c.5105C>T (p.Ala1702Val)

Genes: DOCK6 (dedicator of cytokinesis 6; minus strand), DOCK6-AS1 (DOCK6 antisense RNA 1; plus strand). Cytogenetic location: 19p13.2.
Variant type: single nucleotide variant.
Coding change: c.5105C>T on transcript NM_020812.4 (MANE Select); coding-DNA position 5105, C replaced by T.
Protein change: p.Ala1702Val; replaces alanine 1702 with valine.
Molecular consequence: missense variant.
Genome position (GRCh38, 1-based): chr19:11,204,315, G>A on the plus strand (C>T on the coding strand, the complement: DOCK6 is on the minus strand). VCF-style: chr19-11204315-G-A. GRCh37 (hg19) VCF-style: chr19-11314991-G-A.
Other names: c.5105C>T (NM_020812.2); c.5210C>T, p.Ala1737Val (NM_001367830.1); short protein forms A1702V, A1737V.
Identifiers: ClinVar variation 2179475 (VCV002179475.16), dbSNP rs775176428, ClinGen allele CA9206619.

ClinVar aggregate classification (germline): Uncertain significance. Review status: criteria provided, multiple submitters, no conflicts (2 of 4 stars). 3 submissions from 3 submitters: Uncertain significance (3). Last evaluated 2024-09-01.

Conditions:
Inborn genetic diseases. Identifiers: MedGen C0950123, MeSH D030342.

gnomAD v4.1: 14 of 1,611,456 alleles (0.00087%); highest among the groups gnomAD compares: Admixed American, 0.0033%; no homozygotes.

Submissions (3):

CeGaT Center for Human Genetics Tuebingen
Classification: Uncertain significance. Last evaluated: 2024-09-01. Review status: criteria provided, single submitter. Criteria: CeGaT Center For Human Genetics Tuebingen Variant Classification Criteria Version 2. Collection method: clinical testing. Allele origin: germline. Affected: yes. Observed: 1 variant allele.
Comment: DOCK6: PM2

Ambry Genetics
Classification: Uncertain significance for Inborn genetic diseases. Last evaluated: 2024-02-17. Review status: criteria provided, single submitter. Criteria: Ambry Variant Classification Scheme 2023. Collection method: clinical testing. Allele origin: germline.

Labcorp Genetics (formerly Invitae), Labcorp
Classification: Uncertain significance. Last evaluated: 2022-04-08. Review status: criteria provided, single submitter. Criteria: Invitae Variant Classification Sherloc (09022015). Collection method: clinical testing. Allele origin: germline.
Comment: This sequence change replaces alanine, which is neutral and non-polar, with valine, which is neutral and non-polar, at codon 1702 of the DOCK6 protein (p.Ala1702Val). This variant is present in population databases (rs775176428, gnomAD 0.009%). This variant has not been reported in the literature in individuals affected with DOCK6-related conditions. Algorithms developed to predict the effect of missense changes on protein structure and function (SIFT, PolyPhen-2, Align-GVGD) all suggest that this variant is likely to be tolerated. In summary, the available evidence is currently insufficient to determine the role of this variant in disease. Therefore, it has been classified as a Variant of Uncertain Significance.